The following is an entry in ClinVar:

NM_000562.3(C8A):c.1579G>T (p.Ala527Ser)

Gene: C8A (complement C8 alpha chain; plus strand). Cytogenetic location: 1p32.2.
Variant type: single nucleotide variant.
Coding change: c.1579G>T on transcript NM_000562.3 (MANE Select); coding-DNA position 1579, G replaced by T.
Protein change: p.Ala527Ser; replaces alanine 527 with serine.
Molecular consequence: missense variant.
Genome position (GRCh38, 1-based): chr1:56,912,601, G>T. VCF-style: chr1-56912601-G-T. GRCh37 (hg19) VCF-style: chr1-57378274-G-T.
Other names: short protein forms A527S.
Identifiers: ClinVar variation 1400769 (VCV001400769.6), dbSNP rs1413000006, ClinGen allele CA340516834.

ClinVar aggregate classification (germline): Uncertain significance (1 of 4 stars; one submission).

Allele frequency attached by ClinVar (database versions not stated): gnomAD 0.00001.
gnomAD v4.1: 2 of 1,614,052 alleles (0.00012%); highest among the groups gnomAD compares: Non-Finnish European, 0.00017%; no homozygotes.

Submission:

Labcorp Genetics (formerly Invitae), Labcorp
Classification: Uncertain significance. Last evaluated: 2021-09-24. Review status: criteria provided, single submitter. Criteria: Invitae Variant Classification Sherloc (09022015). Collection method: clinical testing. Allele origin: germline.
Comment: This sequence change replaces alanine with serine at codon 527 of the C8A protein (p.Ala527Ser). The alanine residue is highly conserved and there is a moderate physicochemical difference between alanine and serine. This variant is not present in population databases (ExAC no frequency). This variant has not been reported in the literature in individuals affected with C8A-related conditions. Algorithms developed to predict the effect of missense changes on protein structure and function (SIFT, PolyPhen-2, Align-GVGD) all suggest that this variant is likely to be tolerated. In summary, the available evidence is currently insufficient to determine the role of this variant in disease. Therefore, it has been classified as a Variant of Uncertain Significance.